The following is an entry in ClinVar:

NM_001378969.1(KCND3):c.1169G>T (p.Ser390Ile)

Gene: KCND3 (potassium voltage-gated channel subfamily D member 3; minus strand). Cytogenetic location: 1p13.2.
Variant type: single nucleotide variant.
Coding change: c.1169G>T on transcript NM_001378969.1 (MANE Select); coding-DNA position 1169, G replaced by T.
Protein change: p.Ser390Ile; replaces serine 390 with isoleucine.
Molecular consequence: missense variant.
Genome position (GRCh38, 1-based): chr1:111,787,044, C>A on the plus strand (G>T on the coding strand, the complement: KCND3 is on the minus strand). VCF-style: chr1-111787044-C-A. GRCh37 (hg19) VCF-style: chr1-112329666-C-A.
Other names: c.1169G>T, p.Ser390Ile (NM_001378970.1, NM_004980.5, NM_172198.3); short protein forms S390I.
Identifiers: ClinVar variation 4872212 (VCV004872212.2).
Genomic context (GRCh38, chr1:111,787,044, plus strand): 5'-TAAATCCGGCTAAAGTTGGAAACAATCACAGGGACTGGCAGGGCAATGACCAGGACGCCA[C>A]TCAAGGAGCAGATGGAGCCGAAGATCTTCCCTGCAATCGTCTTAGGCACCATGTCTCCGT-3'
Protein context (NP_001365898.1, residues 380-400): GKIFGSICSL[Ser390Ile]GVLVIALPVP

ClinVar aggregate classification (germline): Likely pathogenic (1 of 4 stars; one submission).

Submission:

CeGaT Center for Human Genetics Tuebingen
Classification: Likely pathogenic. Last evaluated: 2026-04-01. Review status: criteria provided, single submitter. Criteria: CeGaT Center For Human Genetics Tuebingen Variant Classification Criteria Version 2. Collection method: clinical testing. Allele origin: germline. Affected: yes. Observed: 1 variant allele.
Comment: KCND3: PM1, PM2, PM5, PP3